The following is an entry in ClinVar:

NM_015443.4(KANSL1):c.1653-116A>G

Gene: KANSL1 (KAT8 regulatory NSL complex subunit 1). Cytogenetic location: 17q21.31.
Variant type: single nucleotide variant.
Coding change: c.1653-116A>G on transcript NM_015443.4 (MANE Select); 116 bases into the intron before coding-DNA position 1653, A replaced by G.
Molecular consequence: intron variant.
Genome position (GRCh38, 1-based): chr17:46,066,848, T>C on the plus strand (A>G on the coding strand, the complement: KANSL1 is on the minus strand). VCF-style: chr17-46066848-T-C. GRCh37 (hg19) VCF-style: chr17-44144214-T-C.
Other names: c.1653-116A>G (NM_001193465.2, NM_001379198.1, NM_001193466.2).
Identifiers: ClinVar variation 674896 (VCV000674896.2), dbSNP rs2301732, ClinGen allele CA291125840.

ClinVar aggregate classification (germline): Benign. Review status: criteria provided, multiple submitters, no conflicts (2 of 4 stars). 2 submissions from 2 submitters: Benign (2). Last evaluated 2018-06-18.

Allele frequency attached by ClinVar (database versions not stated): gnomAD 0.04679; TOPMed 0.05965; 1000 Genomes Project 30x 0.12867; 1000 Genomes Project 0.13039.
gnomAD v4.1: 37,563 of 712,794 alleles (5.3%); highest among the groups gnomAD compares: East Asian, 46%; 5,548 homozygotes.

Submissions (2):

GeneDx
Classification: Benign. Last evaluated: 2018-06-18. Review status: criteria provided, single submitter. Criteria: GeneDx Variant Classification (06012015). Collection method: clinical testing. Allele origin: germline. Affected: yes.
Comment: This variant is considered likely benign or benign based on one or more of the following criteria: it is a conservative change, it occurs at a poorly conserved position in the protein, it is predicted to be benign by multiple in silico algorithms, and/or has population frequency not consistent with disease.

Breakthrough Genomics
Classification: Benign. Review status: criteria provided, single submitter. Criteria: ACMG Guidelines, 2015. Collection method: not provided. Allele origin: germline. Inheritance: Autosomal dominant inheritance. Affected: yes.